The following is an entry in ClinVar:

NM_000368.5(TSC1):c.695A>G (p.Glu232Gly)

Gene: TSC1 (TSC complex subunit 1; minus strand). Cytogenetic location: 9q34.13.
Variant type: single nucleotide variant.
Coding change: c.695A>G on transcript NM_000368.5 (MANE Select); coding-DNA position 695, A replaced by G.
Protein change: p.Glu232Gly; replaces glutamic acid 232 with glycine.
Molecular consequence: missense variant. On other transcripts: 5 prime UTR variant (1), non-coding transcript variant (5), intron variant (4).
Genome position (GRCh38, 1-based): chr9:132,921,405, T>C on the plus strand (A>G on the coding strand, the complement: TSC1 is on the minus strand). VCF-style: chr9-132921405-T-C. GRCh37 (hg19) VCF-style: chr9-135796792-T-C.
Other names: c.542A>G, p.Glu181Gly (NM_001406610.1, NM_001406611.1, NM_001406612.1 and 2 more transcripts); c.332A>G, p.Glu111Gly (NM_001406614.1, NM_001406615.1, NM_001406616.1 and 10 more transcripts); c.695A>G, p.Glu232Gly (NM_001406601.1, NM_001406602.1, NM_001406603.1 and 16 more transcripts); c.-399A>G (NM_001406630.1); c.-215+414A>G (NM_001406627.1, NM_001406628.1, NM_001406626.1); c.-357+414A>G (NM_001406629.1); short protein forms E111G, E232G, E181G.
Identifiers: ClinVar variation 4192099 (VCV004192099.2).
Genomic context (GRCh38, chr9:132,921,405, plus strand): 5'-TGACACTAGTTTCTATACCTTCGAGGGTCCAGTTCATGGTCCTTGGATCCAGTCACTAAT[T>C]CCGGATGAATTCGCACATGCTCCATCATTGGCTAGAAGAGTTGGGTTGACAAATTATAAA-3'
Protein context (NP_000359.1, residues 222-242): PMMEHVRIHP[Glu232Gly]LVTGSKDHEL

ClinVar aggregate classification (germline): Uncertain significance (1 of 4 stars; one submission).

Conditions:
Hereditary cancer-predisposing syndrome. Also called: Neoplastic Syndromes, Hereditary; Tumor predisposition; Hereditary Cancer Syndrome; Hereditary neoplastic syndrome. Identifiers: Orphanet 140162, MedGen C0027672, MeSH D009386, MONDO:0015356.

Submission:

Ambry Genetics
Classification: Uncertain significance for Hereditary cancer-predisposing syndrome. Last evaluated: 2026-08-21. Review status: criteria provided, single submitter. Criteria: Ambry Variant Classification Scheme 2023. Collection method: clinical testing. Allele origin: germline.
Comment: The p.E232G variant (also known as c.695A>G), located in coding exon 6 of the TSC1 gene, results from an A to G substitution at nucleotide position 695. The glutamic acid at codon 232 is replaced by glycine, an amino acid with similar properties. This amino acid position is highly conserved in available vertebrate species. In addition, this alteration is predicted to be deleterious by in silico analysis. Based on the available evidence, the clinical significance of this variant remains unclear.